The following is an entry in ClinVar:

ClinVar aggregate classification (germline): Uncertain significance (1 of 4 stars; one submission).

Conditions:
STING-associated vasculopathy with onset in infancy. Also called: Sting-associated vasculopathy, infantile-onset. Identifiers: Orphanet 425120, MedGen C4014722, MONDO:0014405, OMIM 615934.

Allele frequency attached by ClinVar (database versions not stated): gnomAD exomes 0.00001.

Submission:

Labcorp Genetics (formerly Invitae), Labcorp
Classification: Uncertain significance for STING-associated vasculopathy with onset in infancy. Last evaluated: 2025-12-09. Review status: criteria provided, single submitter. Criteria: Invitae Variant Classification Sherloc (09022015). Collection method: clinical testing. Allele origin: germline.
Comment: This sequence change replaces aspartic acid, which is acidic and polar, with tyrosine, which is neutral and polar, at codon 377 of the TMEM173 protein (p.Asp377Tyr). This variant is not present in population databases (gnomAD no frequency). This variant has not been reported in the literature in individuals affected with TMEM173-related conditions. ClinVar contains an entry for this variant (Variation ID: 945312). An algorithm developed to predict the effect of missense changes on protein structure and function (PolyPhen-2) suggests that this variant is likely to be disruptive. In summary, the available evidence is currently insufficient to determine the role of this variant in disease. Therefore, it has been classified as a Variant of Uncertain Significance.

NM_198282.4(STING1):c.1129G>T (p.Asp377Tyr)

Gene: STING1 (stimulator of interferon response cGAMP interactor 1; minus strand). Cytogenetic location: 5q31.2.
Variant type: single nucleotide variant.
Coding change: c.1129G>T on transcript NM_198282.4 (MANE Select); coding-DNA position 1129, G replaced by T.
Protein change: p.Asp377Tyr; replaces aspartic acid 377 with tyrosine.
Molecular consequence: missense variant. On other transcripts: 3 prime UTR variant (1).
Genome position (GRCh38, 1-based): chr5:139,476,272, C>A on the plus strand (G>T on the coding strand, the complement: STING1 is on the minus strand). VCF-style: chr5-139476272-C-A. GRCh37 (hg19) VCF-style: chr5-138855857-C-A.
Other names: c.*90G>T (NM_001301738.2); c.772G>T, p.Asp258Tyr (NM_001367258.1); short protein forms D258Y, D377Y.
Identifiers: ClinVar variation 945312 (VCV000945312.10), dbSNP rs1368968919, ClinGen allele CA361478834.